The following is an entry in ClinVar:

NM_004991.4(MECOM):c.2850A>T (p.Arg950Ser)

Gene: MECOM (MDS1 and EVI1 complex locus; minus strand). Cytogenetic location: 3q26.2.
Variant type: single nucleotide variant.
Coding change: c.2850A>T on transcript NM_004991.4 (MANE Select); coding-DNA position 2850, A replaced by T.
Protein change: p.Arg950Ser; replaces arginine 950 with serine.
Molecular consequence: missense variant.
Genome position (GRCh38, 1-based): chr3:169,095,245, T>A on the plus strand (A>T on the coding strand, the complement: MECOM is on the minus strand). VCF-style: chr3-169095245-T-A. GRCh37 (hg19) VCF-style: chr3-168813033-T-A.
Other names: c.2850A>T (NM_004991.3); c.2481A>T, p.Arg827Ser (NM_001105077.4); c.2286A>T, p.Arg762Ser (NM_001105078.4, NM_001205194.2, NM_001366469.2 and 1 more transcripts); c.2262A>T, p.Arg754Ser (NM_001163999.2, NM_001366470.2); c.2259A>T, p.Arg753Ser (NM_001164000.2, NM_001366471.2, NM_001366472.2); c.2823A>T, p.Arg941Ser (NM_001366466.2); c.2289A>T, p.Arg763Ser (NM_001366467.2, NM_001366468.2); c.1851A>T, p.Arg617Ser (NM_001366473.2); and 1 more; short protein forms R617S, R763S, R753S, R827S, R950S, R429S, R754S, R762S.
Identifiers: ClinVar variation 2742675 (VCV002742675.4), dbSNP rs777622718, ClinGen allele CA355074715.

ClinVar aggregate classification (germline): Uncertain significance. Review status: criteria provided, multiple submitters, no conflicts (2 of 4 stars). 2 submissions from 2 submitters: Uncertain significance (2). Last evaluated 2025-01-30.

Conditions:
Inborn genetic diseases. Identifiers: MedGen C0950123, MeSH D030342.

Allele frequency attached by ClinVar (database versions not stated): TOPMed 0.00001.
gnomAD v4.1: 16 of 1,603,112 alleles (0.001%); highest among the groups gnomAD compares: Non-Finnish European, 0.0012%; no homozygotes.

Submissions (2):

Labcorp Genetics (formerly Invitae), Labcorp
Classification: Uncertain significance. Last evaluated: 2025-01-30. Review status: criteria provided, single submitter. Criteria: Invitae Variant Classification Sherloc (09022015). Collection method: clinical testing. Allele origin: germline.
Comment: This sequence change replaces arginine, which is basic and polar, with serine, which is neutral and polar, at codon 762 of the MECOM protein (p.Arg762Ser). This variant is present in population databases (no rsID available, gnomAD 0.0009%). This variant has not been reported in the literature in individuals affected with MECOM-related conditions. ClinVar contains an entry for this variant (Variation ID: 2742675). An algorithm developed to predict the effect of missense changes on protein structure and function (PolyPhen-2) suggests that this variant is likely to be disruptive. This variant disrupts the p.Arg762 amino acid residue in MECOM. Other variant(s) that disrupt this residue have been determined to be pathogenic (PMID: 38245683). This suggests that this residue is clinically significant, and that variants that disrupt this residue are likely to be disease-causing. In summary, the available evidence is currently insufficient to determine the role of this variant in disease. Therefore, it has been classified as a Variant of Uncertain Significance.

Ambry Genetics
Classification: Uncertain significance for Inborn genetic diseases. Last evaluated: 2024-11-26. Review status: criteria provided, single submitter. Criteria: Ambry Variant Classification Scheme 2023. Collection method: clinical testing. Allele origin: germline.
Comment: The p.R950S variant (also known as c.2850A>T) is located in coding exon 13 of the MECOM gene. The arginine at codon 950 is replaced by serine, an amino acid with dissimilar properties. This change occurs in the first base pair of coding exon 13. This amino acid position is conserved. In addition, this alteration is predicted to be tolerated by in silico analysis. Based on the available evidence, the clinical significance of this variant remains unclear.

Literature cited by the submitters: PubMed 38245683 (cited by Labcorp Genetics (formerly Invitae), Labcorp).